The following is an entry in ClinVar:

NM_015102.5(NPHP4):c.1441+13A>G

Gene: NPHP4 (nephrocystin 4; minus strand). Cytogenetic location: 1p36.31.
Variant type: single nucleotide variant.
Coding change: c.1441+13A>G on transcript NM_015102.5 (MANE Select); 13 bases into the intron after coding-DNA position 1441, A replaced by G.
Molecular consequence: intron variant.
Genome position (GRCh38, 1-based): chr1:5,927,636, T>C on the plus strand (A>G on the coding strand, the complement: NPHP4 is on the minus strand). VCF-style: chr1-5927636-T-C. GRCh37 (hg19) VCF-style: chr1-5987696-T-C.
Other names: p.?; c.75+13A>G (NM_001291594.2, NM_001291593.2).
Identifiers: ClinVar variation 95671 (VCV000095671.24), dbSNP rs7520105, ClinGen allele CA148733.

ClinVar aggregate classification (germline): Benign/Likely benign. Review status: criteria provided, multiple submitters, no conflicts (2 of 4 stars). 10 submissions from 9 submitters: Benign (9); Likely benign (1). Last evaluated 2026-02-04.

Conditions:
Senior-Loken syndrome 4 (SLSN4). Identifiers: Orphanet 3156, MedGen C1846979, MONDO:0011756, OMIM 606996.
Nephronophthisis 4 (NPHP4). Also called: NEPHRONOPHTHISIS 4, JUVENILE. Identifiers: Orphanet 655, MedGen C1847013, MONDO:0011752, OMIM 606966.
Nephronophthisis. Also called: Juvenile Nephronophthisis. Identifiers: Orphanet 655, MedGen C0687120, MONDO:0019005, HP:0000090.

Allele frequency attached by ClinVar (database versions not stated): 1000 Genomes Project 0.14117; 1000 Genomes Project 30x 0.14444; gnomAD exomes 0.14549 and 0.16084; ExAC 0.15082; gnomAD 0.17078 and 0.17476; TOPMed 0.17386; ESP Exome Variant Server 0.18383.
gnomAD v4.1: 258,402 of 1,595,044 alleles (16%); highest among the groups gnomAD compares: African/African-American, 21%; 21,666 homozygotes.

Submissions (10):

Labcorp Genetics (formerly Invitae), Labcorp
Classification: Benign for Nephronophthisis. Last evaluated: 2026-02-04. Review status: criteria provided, single submitter. Criteria: Invitae Variant Classification Sherloc (09022015). Collection method: clinical testing. Allele origin: germline.

Blueprint Genetics
Classification: Likely benign. Last evaluated: 2024-11-26. Review status: criteria provided, single submitter. Criteria: ACMG Guidelines, 2015. Collection method: clinical testing. Allele origin: germline.

Mayo Clinic Laboratories, Mayo Clinic
Classification: Benign. Last evaluated: 2022-05-05. Review status: criteria provided, single submitter. Criteria: ACMG Guidelines, 2015. Collection method: clinical testing. Allele origin: germline. Observed: 160 variant alleles.

Genome-Nilou Lab
Classification: Benign for Nephronophthisis 4. Last evaluated: 2021-09-05. Review status: criteria provided, single submitter. Criteria: ACMG Guidelines, 2015. Collection method: clinical testing. Allele origin: germline. Affected: no.

GeneDx
Classification: Benign. Last evaluated: 2021-05-13. Review status: criteria provided, single submitter. Criteria: GeneDx Variant Classification Process June 2021. Collection method: clinical testing. Allele origin: germline. Affected: yes.

Illumina Laboratory Services, Illumina
Classification: Benign for Nephronophthisis 4. Last evaluated: 2018-01-12. Review status: criteria provided, single submitter. Criteria: ICSL Variant Classification Criteria 13 December 2019. Collection method: clinical testing. Allele origin: germline.
Comment: This variant was observed in the ICSL laboratory as part of a predisposition screen in an ostensibly healthy population. It had not been previously curated by ICSL or reported in the Human Gene Mutation Database (HGMD: prior to June 1st, 2018), and was therefore a candidate for classification through an automated scoring system. Utilizing variant allele frequency, disease prevalence and penetrance estimates, and inheritance mode, an automated score was calculated to assess if this variant is too frequent to cause the disease. Based on the score and internal cut-off values, a variant classified as benign is not then subjected to further curation. The score for this variant resulted in a classification of benign for this disease.

Illumina Laboratory Services, Illumina
Classification: Benign for Senior-Loken syndrome 4. Last evaluated: 2018-01-12. Review status: criteria provided, single submitter. Criteria: ICSL Variant Classification Criteria 13 December 2019. Collection method: clinical testing. Allele origin: germline.
Comment: the same text as in the submission from Illumina Laboratory Services, Illumina above.

Eurofins Ntd Llc (ga)
Classification: Benign. Last evaluated: 2013-10-01. Review status: criteria provided, single submitter. Criteria: EGL Classification Definitions 2015. Collection method: clinical testing. Allele origin: germline. Observed: 9 variant alleles, 9 heterozygotes.

Breakthrough Genomics
Classification: Benign. Review status: criteria provided, single submitter. Criteria: ACMG Guidelines, 2015. Collection method: not provided. Allele origin: germline. Inheritance: Autosomal recessive inheritance. Affected: yes.

PreventionGenetics, part of Exact Sciences
Classification: Benign. Review status: criteria provided, single submitter. Criteria: ACMG Guidelines, 2015. Collection method: clinical testing. Allele origin: germline.